The following is an entry in ClinVar:

ClinVar aggregate classification (germline): Uncertain significance (1 of 4 stars; one submission).

Submission:

GeneDx
Classification: Uncertain significance. Last evaluated: 2020-08-26. Review status: criteria provided, single submitter. Criteria: GeneDx Variant Classification Process June 2021. Collection method: clinical testing. Allele origin: germline. Affected: yes.
Comment: Has not been previously published as pathogenic or benign to our knowledge; Not observed in large population cohorts (Lek et al., 2016); In silico analysis supports that this missense variant does not alter protein structure/function

NM_002230.4(JUP):c.940G>A (p.Ala314Thr)

Gene: JUP (junction plakoglobin; minus strand). Cytogenetic location: 17q21.2.
Variant type: single nucleotide variant.
Coding change: c.940G>A on transcript NM_002230.4 (MANE Select); coding-DNA position 940, G replaced by A.
Protein change: p.Ala314Thr; replaces alanine 314 with threonine.
Molecular consequence: missense variant.
Genome position (GRCh38, 1-based): chr17:41,765,037, C>T on the plus strand (G>A on the coding strand, the complement: JUP is on the minus strand). VCF-style: chr17-41765037-C-T. GRCh37 (hg19) VCF-style: chr17-39921289-C-T.
Other names: c.940G>A, p.Ala314Thr (NM_001352773.2, NM_001352774.2, NM_001352775.2 and 3 more transcripts); short protein forms A314T.
Identifiers: ClinVar variation 1305245 (VCV001305245.2), dbSNP rs2143600211, ClinGen allele CA399499569.